The following is an entry in ClinVar:

NM_000179.3(MSH6):c.2079dup (p.Cys694fs)

Gene: MSH6 (mutS homolog 6; plus strand). Cytogenetic location: 2p16.3.
Variant type: Duplication.
Coding change: c.2079dup on transcript NM_000179.3 (MANE Select); coding-DNA position 2079, one base duplicated (A; older notation c.2079dupA).
Protein change: p.Cys694fs; shifts the reading frame from cysteine 694.
Molecular consequence: frameshift variant.
Genome position (GRCh38, 1-based): chr2:47,800,062, A duplicated; the last of 6 consecutive A bases (chr2:47,800,057-47,800,062); duplicating any one gives the same sequence. VCF-style (leftmost placement, unchanged base first): chr2-47800056-C-CA. GRCh37 (hg19) VCF-style: chr2-48027195-C-CA.
Other names: c.1689dup, p.Cys564fs (NM_001281492.2); c.1173dup, p.Cys392fs (NM_001281493.2, NM_001281494.2); c.2079dupA (NM_000179.2); short protein forms C392fs, C564fs, C694fs.
Identifiers: ClinVar variation 187516 (VCV000187516.30), dbSNP rs267608083, ClinGen allele CA197852.

ClinVar aggregate classification (germline): Pathogenic. Review status: criteria provided, multiple submitters, no conflicts (2 of 4 stars). 13 submissions from 13 submitters: Pathogenic (12). 1 of the submissions does not count toward it. Last evaluated 2025-09-30.

Conditions:
Inherited MMR deficiency (Lynch syndrome).
Lynch syndrome. Identifiers: Orphanet 144, MedGen C4552100, MONDO:0005835. Disease mechanism: loss of function.
Hereditary nonpolyposis colorectal neoplasms. Identifiers: MedGen C0009405, MeSH D003123.
Hereditary cancer-predisposing syndrome. Also called: Neoplastic Syndromes, Hereditary; Tumor predisposition; Hereditary Cancer Syndrome; Hereditary neoplastic syndrome. Identifiers: Orphanet 140162, MedGen C0027672, MeSH D009386, MONDO:0015356.
Endometrial carcinoma. Also called: Endometrial carcinoma, somatic. Identifiers: MedGen C0476089, MONDO:0002447, OMIM 608089, HP:0012114.
Lynch syndrome 5 (LYNCH5). Also called: Colorectal cancer, hereditary nonpolyposis, type 5; Hereditary non-polyposis colorectal cancer, type 5. Identifiers: Orphanet 144, MedGen C1833477, MONDO:0013710, OMIM 614350. Disease mechanism: loss of function.

Submissions (13):

Color Diagnostics, LLC DBA Color Health
Classification: Pathogenic for Hereditary cancer-predisposing syndrome. Last evaluated: 2025-09-30. Review status: criteria provided, single submitter. Criteria: ACMG Guidelines, 2015. Collection method: clinical testing. Allele origin: germline.
Comment: This variant inserts 1 nucleotide in exon 4 of the MSH6 gene, creating a frameshift and premature translation stop signal. This variant is expected to result in an absent or non-functional protein product. To our knowledge, this variant has been reported in individuals affected with colorectal cancer in the literature (PMID: 28195393, 28944238). This variant has been identified in 11/1613880 chromosomes in the general population by the Genome Aggregation Database (gnomAD). Loss of MSH6 function is a known mechanism of disease. Based on the available evidence, this variant is classified as Pathogenic.

GeneDx
Classification: Pathogenic. Last evaluated: 2025-08-01. Review status: criteria provided, single submitter. Criteria: GeneDx Variant Classification Process June 2021. Collection method: clinical testing. Allele origin: germline. Affected: yes.
Comment: Reported in individuals with personal and/or a family history of colorectal cancer (PMID: 26845104, 28195393); Frameshift variant predicted to result in protein truncation or nonsense mediated decay in a gene for which loss of function is a known mechanism of disease; Not observed at significant frequency in large population cohorts (gnomAD); Truncating variants in this gene are considered pathogenic by a well-established clinical consortium and/or database; This variant is associated with the following publications: (PMID: 26845104, 28195393, 28944238, 31297992, 30787465, 33087929, 35626060)

Cambridge Genomics Laboratory, East Genomic Laboratory Hub, NHS Genomic Medicine Service
Classification: Pathogenic for Inherited MMR deficiency (Lynch syndrome). Last evaluated: 2025-03-03. Review status: criteria provided, single submitter. Criteria: ACGS Best Practice Guidelines for Variant Classification in Rare Disease 2020. Collection method: clinical testing. Allele origin: germline. Affected: yes.
Comment: PVS1,PS4_Very Strong,PM2_Supporting,PP4

Labcorp Genetics (formerly Invitae), Labcorp
Classification: Pathogenic for Hereditary nonpolyposis colorectal neoplasms. Last evaluated: 2024-12-12. Review status: criteria provided, single submitter. Criteria: Invitae Variant Classification Sherloc (09022015). Collection method: clinical testing. Allele origin: germline.
Comment: This sequence change creates a premature translational stop signal (p.Cys694Metfs*4) in the MSH6 gene. It is expected to result in an absent or disrupted protein product. Loss-of-function variants in MSH6 are known to be pathogenic (PMID: 18269114, 24362816). This variant is not present in population databases (gnomAD no frequency). This premature translational stop signal has been observed in individual(s) with colorectal cancer (PMID: 21520333, 28195393). Invitae Evidence Modeling of clinical and family history, age, sex, and reported ancestry of multiple individuals with this MSH6 variant has been performed. This variant is expected to be pathogenic with a positive predictive value of at least 99%. This is a validated machine learning model that incorporates the clinical features of 1,370,736 individuals referred to our laboratory for MSH6 testing. ClinVar contains an entry for this variant (Variation ID: 187516). For these reasons, this variant has been classified as Pathogenic.

Ambry Genetics
Classification: Pathogenic for Hereditary cancer-predisposing syndrome. Last evaluated: 2024-08-30. Review status: criteria provided, single submitter. Criteria: Ambry Variant Classification Scheme 2023. Collection method: clinical testing. Allele origin: germline.
Comment: The c.2079dupA pathogenic mutation, located in coding exon 4 of the MSH6 gene, results from a duplication of A at nucleotide position 2079, causing a translational frameshift with a predicted alternate stop codon (p.C694Mfs*4). This mutation has been detected in multiple colorectal cancer patients (DeRycke MS et al. Mol Genet Genomic Med. 2017 Jul 23;5:553-569; Hansen MF et al. Clin Genet. 2017 Oct;92:405-414). Of note, this alteration is designated as c.2073_2074insA in published literature. This variant is considered to be rare based on population cohorts in the Genome Aggregation Database (gnomAD). In addition to the clinical data presented in the literature, this alteration is expected to result in loss of function by premature protein truncation or nonsense-mediated mRNA decay. As such, this alteration is interpreted as a disease-causing mutation.

Genomics and Molecular Medicine Service, East Genomic Laboratory Hub, NHS Genomic Medicine Service
Classification: Pathogenic for Inherited MMR deficiency (Lynch syndrome). Last evaluated: 2024-07-04. Review status: criteria provided, single submitter. Criteria: ACGS Best Practice Guidelines for Variant Classification in Rare Disease 2020. Collection method: clinical testing. Allele origin: germline. Affected: yes.
Comment: PVS1,PS4_Very Strong,PP4

Myriad Genetics, Inc.
Classification: Pathogenic for Lynch syndrome 5. Last evaluated: 2023-08-16. Review status: criteria provided, single submitter. Criteria: Myriad Autosomal Dominant, Autosomal Recessive and X-Linked Classification Criteria (2023). Collection method: clinical testing. Allele origin: unknown.
Comment: This variant is considered pathogenic. This variant creates a frameshift predicted to result in premature protein truncation.

Baylor Genetics
Classification: Pathogenic for Endometrial carcinoma. Last evaluated: 2022-11-11. Review status: criteria provided, single submitter. Criteria: ACMG Guidelines, 2015. Collection method: clinical testing. Allele origin: unknown.

Laboratory for Molecular Medicine, Mass General Brigham Personalized Medicine
Classification: Pathogenic for Lynch syndrome. Last evaluated: 2021-10-28. Review status: criteria provided, single submitter. Criteria: ACMG Guidelines, 2015. Collection method: clinical testing. Allele origin: germline.
Comment: The p.Cys694MetfsX4 variant in MSH6 has been reported in 2 individuals with colorectal cancer (DeRycke 2017 PMID: 28944238, Hansen 2017 PMID: 28195393, Xavier 2019 PMID: 31297992) and in 1 individual with a family history of Lynch-associated tumors (Shirts 2016 PMID: 26845104). This variant has also been reported by other clinical laboratories in ClinVar (Variation ID 187516) and is absent from large population studies. This variant is predicted to cause a frameshift, which alters the protein’s amino acid sequence beginning at position 694 and leads to a premature termination codon 4 amino acids downstream. This alteration is then predicted to lead to a truncated or absent protein. Loss of function of the MSH6 gene is an established disease mechanism in autosomal dominant Lynch syndrome. In summary, this variant meets criteria to be classified as pathogenic for autosomal dominant Lynch syndrome. ACMG/AMP Criteria applied: PVS1, PM2_Supporting, PS4_Supporting.

Sema4
Classification: Pathogenic for Hereditary cancer-predisposing syndrome. Last evaluated: 2021-04-20. Review status: criteria provided, single submitter. Criteria: Sema4 Curation Guidelines. Collection method: curation. Allele origin: germline.
Comment: The MSH6 c.2079dupA (p.C694MfsX4) variant has been reported in heterozygosity in at least 2 individuals with colorectal cancer (PMID: 28195393, 28944238). This variant causes a frameshift at amino acid 694 that results in premature termination 4 amino acids downstream. At this location, this is predicted to cause nonsense-mediated decay and result in an absent protein (loss of function). Loss of function variants in MSH6 are known to be pathogenic (PMID: 18269114, 24362816). This variant is not reported in the population database Genome Aggregation Database (PMID: 32461654). This variant has been reported in ClinVar (Variation ID: 187516). Based on the current evidence available, this variant is interpreted as pathogenic.

Quest Diagnostics Nichols Institute San Juan Capistrano
Classification: Pathogenic. Last evaluated: 2017-10-31. Review status: criteria provided, single submitter. Criteria: Quest Diagnostics criteria. Collection method: clinical testing. Allele origin: germline.

University of Washington Department of Laboratory Medicine, University of Washington
Classification: Pathogenic for Hereditary nonpolyposis colon cancer. Last evaluated: 2015-11-20. Review status: criteria provided, single submitter. Criteria: Shirts et al. (Genet Med 2016). Collection method: clinical testing. Allele origin: germline. Affected: no. Observed: 1 variant allele.

Department of Pathology and Laboratory Medicine, Sinai Health System
Classification: Pathogenic. Review status: no assertion criteria provided. Collection method: clinical testing. Allele origin: unknown. Affected: yes. Study: The Canadian Open Genetics Repository (COGR). Not counted in ClinVar's aggregate classification.
Comment: The MSH6 p.Cys694Metfs*4 variant was identified in 2 of 3472 proband chromosomes (frequency: 0.0006) from individuals or families with colorectal, cervical, or prostate cancer (Hansen 2017, Shirts 2015). The variant was also identified in dbSNP (ID: rs267608083) as â€šÃ„ÃºWith Pathogenic alleleâ€šÃ„Ã¹, ClinVar (classified as pathogenic by Ambry Genetics, Invitae, GeneDx and one other clinical laboratory), UMD-LSDB (1x causal), and Insight Hereditary Tumors Database (2x). The variant was not identified in the COGR, Cosmic, Zhejiang University Database, or Mismatch Repair Genes Variant database. The variant was not identified in the following control databases: the Exome Aggregation Consortium (August 8th 2016) or the Genome Aggregation Database (Feb 27, 2017). The c.2079dup variant is predicted to cause a frameshift, which alters the protein's amino acid sequence beginning at codon 694 and leads to a premature stop codon at position 697. This alteration is then predicted to result in a truncated or absent protein and loss of function. Loss of function variants of the MSH6 gene are an established mechanism of disease in Lynch syndrome and is the type of variant expected to cause the disorder. In summary, based on the above information this variant meets our laboratoryâ€šÃ„Ã´s criteria to be classified as pathogenic.

Literature cited by the submitters: PubMed 28195393 (cited by 4 submitters); PubMed 28944238 (cited by 3 submitters); PubMed 18269114 (cited by Labcorp Genetics (formerly Invitae), Labcorp and Sema4); PubMed 24362816 (cited by Labcorp Genetics (formerly Invitae), Labcorp and Sema4); PubMed 21520333 (cited by Labcorp Genetics (formerly Invitae), Labcorp and Laboratory for Molecular Medicine, Mass General Brigham Personalized Medicine); PubMed 7604266 (cited by Laboratory for Molecular Medicine, Mass General Brigham Personalized Medicine).